The following is an entry in ClinVar:

ClinVar aggregate classification (germline): Uncertain significance. Review status: criteria provided, multiple submitters, no conflicts (2 of 4 stars). 2 submissions from 2 submitters: Uncertain significance (2). Last evaluated 2024-05-22.

Allele frequency attached by ClinVar (database versions not stated): ExAC 0.00001; gnomAD 0.00001; TOPMed 0.00001.
gnomAD v4.1: 9 of 1,612,954 alleles (0.00056%); highest among the groups gnomAD compares: South Asian, 0.0033%; no homozygotes.

Submissions (2):

Labcorp Genetics (formerly Invitae), Labcorp
Classification: Uncertain significance. Last evaluated: 2024-05-22. Review status: criteria provided, single submitter. Criteria: Invitae Variant Classification Sherloc (09022015). Collection method: clinical testing. Allele origin: germline.
Comment: This sequence change replaces arginine, which is basic and polar, with cysteine, which is neutral and slightly polar, at codon 2217 of the DCHS1 protein (p.Arg2217Cys). This variant is present in population databases (rs768742298, gnomAD 0.003%). This variant has not been reported in the literature in individuals affected with DCHS1-related conditions. ClinVar contains an entry for this variant (Variation ID: 2148777). Advanced modeling of protein sequence and biophysical properties (such as structural, functional, and spatial information, amino acid conservation, physicochemical variation, residue mobility, and thermodynamic stability) performed at Invitae indicates that this missense variant is expected to disrupt DCHS1 protein function with a positive predictive value of 80%. In summary, the available evidence is currently insufficient to determine the role of this variant in disease. Therefore, it has been classified as a Variant of Uncertain Significance.

GeneDx
Classification: Uncertain significance. Last evaluated: 2024-03-12. Review status: criteria provided, single submitter. Criteria: GeneDx Variant Classification Process June 2021. Collection method: clinical testing. Allele origin: germline. Affected: yes.
Comment: Not observed at significant frequency in large population cohorts (gnomAD); In silico analysis supports that this missense variant has a deleterious effect on protein structure/function; Has not been previously published as pathogenic or benign to our knowledge

NM_003737.4(DCHS1):c.6649C>T (p.Arg2217Cys)

Gene: DCHS1 (dachsous cadherin-related 1; minus strand). Cytogenetic location: 11p15.4.
Variant type: single nucleotide variant.
Coding change: c.6649C>T on transcript NM_003737.4 (MANE Select); coding-DNA position 6649, C replaced by T.
Protein change: p.Arg2217Cys; replaces arginine 2217 with cysteine.
Molecular consequence: missense variant.
Genome position (GRCh38, 1-based): chr11:6,626,002, G>A on the plus strand (C>T on the coding strand, the complement: DCHS1 is on the minus strand). VCF-style: chr11-6626002-G-A. GRCh37 (hg19) VCF-style: chr11-6647233-G-A.
Other names: c.6649C>T (NM_003737.3); short protein forms R2217C.
Identifiers: ClinVar variation 2148777 (VCV002148777.5), dbSNP rs768742298, ClinGen allele CA5859810.